The following is an entry in ClinVar:

NM_001983.4(ERCC1):c.426C>T (p.Ser142=)

Gene: ERCC1 (ERCC excision repair 1, endonuclease non-catalytic subunit; minus strand). Cytogenetic location: 19q13.32.
Variant type: single nucleotide variant.
Coding change: c.426C>T on transcript NM_001983.4 (MANE Select); coding-DNA position 426, C replaced by T.
Protein change: p.Ser142=; no amino-acid change (serine 142 retained).
Molecular consequence: synonymous variant.
Genome position (GRCh38, 1-based): chr19:45,419,197, G>A on the plus strand (C>T on the coding strand, the complement: ERCC1 is on the minus strand). VCF-style: chr19-45419197-G-A. GRCh37 (hg19) VCF-style: chr19-45922455-G-A.
Other names: c.426C>T, p.Ser142= (NM_001166049.2, NM_001369408.1, NM_001369409.1 and 11 more transcripts).
Identifiers: ClinVar variation 3026481 (VCV003026481.22), dbSNP rs1325680849, ClinGen allele CA507818378.

ClinVar aggregate classification (germline): Likely benign (1 of 4 stars; one submission).

Allele frequency attached by ClinVar (database versions not stated): TOPMed below 0.00001; gnomAD 0.00001.

Submission:

CeGaT Center for Human Genetics Tuebingen
Classification: Likely benign. Last evaluated: 2024-01-01. Review status: criteria provided, single submitter. Criteria: CeGaT Center For Human Genetics Tuebingen Variant Classification Criteria Version 2. Collection method: clinical testing. Allele origin: germline. Affected: yes. Observed: 1 variant allele.
Comment: ERCC1: BP4, BP7